The following is an entry in ClinVar:

ClinVar aggregate classification (germline): Uncertain significance (1 of 4 stars; one submission).

Conditions:
Genitopatellar syndrome (GTPTS). Also called: ABSENT PATELLAE, SCROTAL HYPOPLASIA, RENAL ANOMALIES, FACIAL DYSMORPHISM, AND MENTAL RETARDATION; Genitopatellar syndrome (GPS). Identifiers: Orphanet 85201, MedGen C1853566, MONDO:0011640, OMIM 606170.

Allele frequency attached by ClinVar (database versions not stated): gnomAD exomes below 0.00001; ExAC 0.00001.
gnomAD v4.1: 3 of 1,614,164 alleles (0.00019%); highest among the groups gnomAD compares: South Asian, 0.0022%; no homozygotes.

Submission:

Labcorp Genetics (formerly Invitae), Labcorp
Classification: Uncertain significance for Genitopatellar syndrome. Last evaluated: 2023-05-20. Review status: criteria provided, single submitter. Criteria: Invitae Variant Classification Sherloc (09022015). Collection method: clinical testing. Allele origin: germline.
Comment: In summary, the available evidence is currently insufficient to determine the role of this variant in disease. Therefore, it has been classified as a Variant of Uncertain Significance. Advanced modeling of protein sequence and biophysical properties (such as structural, functional, and spatial information, amino acid conservation, physicochemical variation, residue mobility, and thermodynamic stability) performed at Invitae indicates that this missense variant is not expected to disrupt KAT6B protein function. This variant has not been reported in the literature in individuals affected with KAT6B-related conditions. This variant is present in population databases (rs752143830, gnomAD 0.003%). This sequence change replaces histidine, which is basic and polar, with tyrosine, which is neutral and polar, at codon 1433 of the KAT6B protein (p.His1433Tyr).

NM_012330.4(KAT6B):c.4297C>T (p.His1433Tyr)

Gene: KAT6B (lysine acetyltransferase 6B; plus strand). Cytogenetic location: 10q22.2.
Variant type: single nucleotide variant.
Coding change: c.4297C>T on transcript NM_012330.4 (MANE Select); coding-DNA position 4297, C replaced by T.
Protein change: p.His1433Tyr; replaces histidine 1433 with tyrosine.
Molecular consequence: missense variant.
Genome position (GRCh38, 1-based): chr10:75,029,121, C>T. VCF-style: chr10-75029121-C-T. GRCh37 (hg19) VCF-style: chr10-76788879-C-T.
Other names: c.3748C>T, p.His1250Tyr (NM_001256468.2, NM_001370138.1); c.3421C>T, p.His1141Tyr (NM_001256469.2, NM_001370139.1, NM_001370140.1 and 2 more transcripts); c.3259C>T, p.His1087Tyr (NM_001370132.1); c.2608C>T, p.His870Tyr (NM_001370133.1); c.2212C>T, p.His738Tyr (NM_001370134.1); c.1954C>T, p.His652Tyr (NM_001370135.1); c.4297C>T, p.His1433Tyr (NM_001370136.1, NM_001370137.1); c.3232C>T, p.His1078Tyr (NM_001370143.1, NM_001370144.1); short protein forms H1078Y, H1087Y, H1250Y, H1141Y, H1433Y, H652Y, H738Y, H870Y.
Identifiers: ClinVar variation 2955067 (VCV002955067.3), dbSNP rs752143830, ClinGen allele CA5565016.